The following is an entry in ClinVar:

NM_004415.4(DSP):c.2986-13C>T

Gene: DSP (desmoplakin; plus strand). Cytogenetic location: 6p24.3.
Variant type: single nucleotide variant.
Coding change: c.2986-13C>T on transcript NM_004415.4 (MANE Select); 13 bases into the intron before coding-DNA position 2986, C replaced by T.
Molecular consequence: intron variant.
Genome position (GRCh38, 1-based): chr6:7,578,451, C>T. VCF-style: chr6-7578451-C-T. GRCh37 (hg19) VCF-style: chr6-7578684-C-T.
Other names: c.2986-13C>T (NM_001319034.2, NM_001008844.3).
Identifiers: ClinVar variation 3069938 (VCV003069938.1), dbSNP rs2533919528, ClinGen allele CA2677225579.

ClinVar aggregate classification (germline): Likely benign (1 of 4 stars; one submission).

Conditions:
Arrhythmogenic cardiomyopathy with wooly hair and keratoderma. Also called: Carvajal syndrome; PALMOPLANTAR KERATODERMA WITH LEFT VENTRICULAR CARDIOMYOPATHY AND WOOLLY HAIR; Dilated cardiomyopathy with woolly hair and keratoderma; Arrhythmogenic cardiomyopathy with woolly hair and keratoderma. Identifiers: Orphanet 65282, MedGen C1854063, MONDO:0011581, OMIM 605676.

Submission:

All of Us Research Program, National Institutes of Health
Classification: Likely benign for Arrhythmogenic cardiomyopathy with wooly hair and keratoderma. Last evaluated: 2023-03-23. Review status: criteria provided, single submitter. Criteria: ACMG Guidelines, 2015. Collection method: clinical testing. Allele origin: germline. Inheritance: Autosomal dominant inheritance. Observed: 1 variant allele, 1 heterozygote.
Comment: This study involves interpretation of variants in research participants for the purpose of population health screening. Participant phenotype was not available at the time of variant classification. Additional details can be found in publication PMID: 35346344, PMCID: PMC8962531